The following is an entry in ClinVar:

ClinVar aggregate classification (germline): Uncertain significance (1 of 4 stars; one submission).

gnomAD v4.1: 16 of 1,604,462 alleles (0.001%); highest among the groups gnomAD compares: Admixed American, 0.0067%; no homozygotes.

Submission:

Labcorp Genetics (formerly Invitae), Labcorp
Classification: Uncertain significance. Last evaluated: 2026-01-05. Review status: criteria provided, single submitter. Criteria: Invitae Variant Classification Sherloc (09022015). Collection method: clinical testing. Allele origin: germline.
Comment: This sequence change replaces glutamine, which is neutral and polar, with arginine, which is basic and polar, at codon 106 of the THAP11 protein (p.Gln106Arg). The frequency data for this variant in the population databases is considered unreliable, as metrics indicate poor data quality at this position in the gnomAD database. This variant has not been reported in the literature in individuals affected with THAP11-related conditions. ClinVar contains an entry for this variant (Variation ID: 3716943). Invitae Evidence Modeling of protein sequence and biophysical properties (such as structural, functional, and spatial information, amino acid conservation, physicochemical variation, residue mobility, and thermodynamic stability) indicates that this missense variant is not expected to disrupt THAP11 protein function with a negative predictive value of 80%. In summary, the available evidence is currently insufficient to determine the role of this variant in disease. Therefore, it has been classified as a Variant of Uncertain Significance.

NM_020457.3(THAP11):c.317A>G (p.Gln106Arg)

Genes: CENPT (centromere protein T; minus strand), THAP11 (THAP domain containing 11; plus strand). Cytogenetic location: 16q22.1.
Variant type: single nucleotide variant.
Coding change: c.317A>G on transcript NM_020457.3 (MANE Select); coding-DNA position 317, A replaced by G.
Protein change: p.Gln106Arg; replaces glutamine 106 with arginine.
Molecular consequence: missense variant. On other transcripts: intron variant (1).
Genome position (GRCh38, 1-based): chr16:67,842,871, A>G. VCF-style: chr16-67842871-A-G. GRCh37 (hg19) VCF-style: chr16-67876774-A-G.
Other names: c.-492+4530T>C (NM_025082.4); short protein forms Q106R.
Identifiers: ClinVar variation 3716943 (VCV003716943.2).